The following is an entry in ClinVar:

ClinVar aggregate classification (germline): Conflicting classifications of pathogenicity. Review status: criteria provided, conflicting classifications (1 of 4 stars). 3 submissions from 3 submitters: Uncertain significance (1); Likely benign (2). Last evaluated 2025-09-28.

Conditions:
Inborn genetic diseases. Identifiers: MedGen C0950123, MeSH D030342.
Glycogen storage disease IXd (GSD9D). Also called: Muscle Phosphorylase Kinase Deficiency; GSD IXd. Identifiers: Orphanet 715, MedGen C1845151, MONDO:0010362, OMIM 300559.

Allele frequency attached by ClinVar (database versions not stated): gnomAD 0.00003; gnomAD exomes 0.00003 and 0.00019; TOPMed 0.00005; ExAC 0.00009.
gnomAD v4.1: 39 of 1,207,893 alleles (0.0032%); highest among the groups gnomAD compares: Admixed American, 0.085%; no homozygotes.

Submissions (3):

Labcorp Genetics (formerly Invitae), Labcorp
Classification: Likely benign for Glycogen storage disease IXd. Last evaluated: 2025-09-28. Review status: criteria provided, single submitter. Criteria: Invitae Variant Classification Sherloc (09022015). Collection method: clinical testing. Allele origin: germline.

Ambry Genetics
Classification: Uncertain significance for Inborn genetic diseases. Last evaluated: 2025-09-04. Review status: criteria provided, single submitter. Criteria: Ambry Variant Classification Scheme 2023. Collection method: clinical testing. Allele origin: germline.

GeneDx
Classification: Likely benign. Last evaluated: 2018-02-15. Review status: criteria provided, single submitter. Criteria: GeneDx Variant Classification (06012015). Collection method: clinical testing. Allele origin: germline. Affected: yes.
Comment: This variant is considered likely benign or benign based on one or more of the following criteria: it is a conservative change, it occurs at a poorly conserved position in the protein, it is predicted to be benign by multiple in silico algorithms, and/or has population frequency not consistent with disease.

NM_002637.4(PHKA1):c.430T>G (p.Phe144Val)

Genes: PHKA1 (phosphorylase kinase regulatory subunit alpha 1; minus strand), PHKA1-AS1 (PHKA1 antisense RNA 1; plus strand). Cytogenetic location: Xq13.1.
Variant type: single nucleotide variant.
Coding change: c.430T>G on transcript NM_002637.4 (MANE Select); coding-DNA position 430, T replaced by G.
Protein change: p.Phe144Val; replaces phenylalanine 144 with valine.
Molecular consequence: missense variant.
Genome position (GRCh38, 1-based): chrX:72,695,732, A>C on the plus strand (T>G on the coding strand, the complement: PHKA1 is on the minus strand). VCF-style: chrX-72695732-A-C. GRCh37 (hg19) VCF-style: chrX-71915582-A-C.
Other names: c.430T>G, p.Phe144Val (NM_001122670.2, NM_001172436.2); short protein forms F144V.
Identifiers: ClinVar variation 515396 (VCV000515396.11), dbSNP rs782285281, ClinGen allele CA10451069.